The following is an entry in ClinVar:

NM_001127511.3(APC):c.-193G>A

Genes: APC (APC regulator of Wnt signaling pathway; plus strand), LOC129994371 (ATAC-STARR-seq lymphoblastoid active region 22910; plus strand). Cytogenetic location: 5q22.2.
Variant type: single nucleotide variant.
Coding change: c.-193G>A on transcript NM_001127511.3; 193 bases upstream of the start codon, G replaced by A.
Molecular consequence: 5 prime UTR variant. On other transcripts: non-coding transcript variant (2).
Genome position (GRCh38, 1-based): chr5:112,707,525, G>A. VCF-style: chr5-112707525-G-A. GRCh37 (hg19) VCF-style: chr5-112043222-G-A.
Other names: c.-376G>A (NM_001354895.2, NM_001407447.1, NM_001407452.1 and 3 more transcripts); c.-193G>A (NM_001354897.2, NM_001354902.2, NM_001407446.1); c.-143G>A (NM_001407448.1, NM_001407450.1, NM_001407457.1 and 1 more transcripts); c.-167G>A (NM_001407453.1); c.-1411G>A (NM_001407470.1, NM_001407472.1).
Identifiers: ClinVar variation 921400 (VCV000921400.10), dbSNP rs1750570441, ClinGen allele CA1080214716.

ClinVar aggregate classification (germline): Uncertain significance. Review status: criteria provided, multiple submitters, no conflicts (2 of 4 stars). 2 submissions from 2 submitters: Uncertain significance (2). Last evaluated 2023-07-17.

Conditions:
Familial adenomatous polyposis 1 (FAP1). Also called: FAMILIAL ADENOMATOUS POLYPOSIS 1, ATTENUATED; POLYPOSIS, ADENOMATOUS INTESTINAL. Identifiers: MedGen C2713442, MONDO:0021056, OMIM 175100. Disease mechanism: loss of function.
Hereditary cancer-predisposing syndrome. Also called: Tumor predisposition; Neoplastic Syndromes, Hereditary; Hereditary neoplastic syndrome; Hereditary Cancer Syndrome. Identifiers: Orphanet 140162, MedGen C0027672, MeSH D009386, MONDO:0015356.

Allele frequency attached by ClinVar (database versions not stated): gnomAD 0.00001; TOPMed 0.00001.

Submissions (2):

Labcorp Genetics (formerly Invitae), Labcorp
Classification: Uncertain significance for Familial adenomatous polyposis 1. Last evaluated: 2023-07-17. Review status: criteria provided, single submitter. Criteria: Invitae Variant Classification Sherloc (09022015). Collection method: clinical testing. Allele origin: germline.
Comment: In summary, the available evidence is currently insufficient to determine the role of this variant in disease. Therefore, it has been classified as a Variant of Uncertain Significance. Experimental studies and prediction algorithms are not available or were not evaluated, and the functional significance of this variant is currently unknown. This variant has not been reported in the literature in individuals affected with APC-related conditions. This variant is not present in population databases (gnomAD no frequency). This variant occurs in a non-coding region of the APC gene. It does not change the encoded amino acid sequence of the APC protein.

Color Diagnostics, LLC DBA Color Health
Classification: Uncertain significance for Hereditary cancer-predisposing syndrome. Last evaluated: 2020-02-04. Review status: criteria provided, single submitter. Criteria: ACMG Guidelines, 2015. Collection method: clinical testing. Allele origin: germline.
Comment: This variant is located in the 5' upstream regulatory region of the APC gene. To our knowledge, functional studies have not been performed for this variant. This variant has not been reported in individuals affected with hereditary cancer in the literature. This variant has not been identified in the general population by the Genome Aggregation Database (gnomAD). The available evidence is insufficient to determine the role of this variant in disease conclusively. Therefore, this variant is classified as a Variant of Uncertain Significance.